The following is an entry in ClinVar:

NM_000059.4(BRCA2):c.4269T>G (p.Thr1423=)

Gene: BRCA2 (BRCA2 DNA repair associated; plus strand). Cytogenetic location: 13q13.1.
Variant type: single nucleotide variant.
Coding change: c.4269T>G on transcript NM_000059.4 (MANE Select); coding-DNA position 4269, T replaced by G.
Protein change: p.Thr1423=; no amino-acid change (threonine 1423 retained).
Molecular consequence: synonymous variant.
Genome position (GRCh38, 1-based): chr13:32,338,624, T>G. VCF-style: chr13-32338624-T-G. GRCh37 (hg19) VCF-style: chr13-32912761-T-G.
Identifiers: ClinVar variation 1048850 (VCV001048850.10), dbSNP rs786201377, ClinGen allele CA483438016.

ClinVar aggregate classification (germline): Likely benign. Review status: criteria provided, single submitter (1 of 4 stars). 2 submissions from 2 submitters: Likely benign (1). 1 of the submissions does not count toward it. Last evaluated 2020-12-10.

Conditions:
Hereditary breast ovarian cancer syndrome. Also called: Hereditary breast and ovarian cancer syndrome; Hereditary breast and ovarian cancer; Hereditary breast and ovarian cancer syndrome (HBOC); BRCA1- and BRCA2-Associated Hereditary Breast and Ovarian Cancer; Hereditary breast and/or ovarian cancer syndrome; Breast and ovarian cancer. Identifiers: Orphanet 145, MedGen C0677776, MeSH D061325, MONDO:0003582. Disease mechanism: loss of function.
Malignant tumor of breast. Also called: Malignant breast neoplasm; Cancer breast. Identifiers: MedGen C0006142, MONDO:0007254. Disease mechanism: loss of function.

Submissions (2):

Labcorp Genetics (formerly Invitae), Labcorp
Classification: Likely benign for Hereditary breast ovarian cancer syndrome. Last evaluated: 2020-12-10. Review status: criteria provided, single submitter. Criteria: Invitae Variant Classification Sherloc (09022015). Collection method: clinical testing. Allele origin: germline.

Department of Pathology and Laboratory Medicine, Sinai Health System
Classification: Likely benign for Malignant tumor of breast. Review status: no assertion criteria provided. Collection method: clinical testing. Allele origin: unknown. Affected: yes. Study: The Canadian Open Genetics Repository (COGR). Not counted in ClinVar's aggregate classification.
Comment: The BRCA2 p.Thr1423= variant was not identified in the literature nor was it identified in the dbSNP, ClinVar, LOVD 3.0, and UMD-LSDB, databases. The variant was not identified in the following control databases: the Exome Aggregation Consortium (August 8th 2016), or the Genome Aggregation Database (Feb 27, 2017). The p.Thr1423= variant is not expected to have clinical significance because it does not result in a change of amino acid and is not located in a known consensus splice site. In addition, in silico or computational prediction software programs (SpliceSiteFinder, MaxEntScan, NNSPLICE, GeneSplicer) do not predict a difference in splicing. Please note another variant, c.4269T>C at the same position with the same amino acid change, p.Thr1423= was found in ClinVar (classified as likely benign) and in UMD-LSDB (classified as polymorphism). In summary, based on the above information the clinical significance of this variant cannot be determined with certainty at this time although we would lean towards a more benign role for this variant. This variant is classified as likely benign.